The following is an entry in ClinVar:

NC_000023.11:g.37043317G>A

Gene: FAM47C (family with sequence similarity 47 member C; plus strand). Cytogenetic location: Xp21.1.
Variant type: single nucleotide variant.
Molecular consequence: non-coding transcript variant (on NR_171164.1).
Genome position: GRCh38 VCF-style: chrX-37043317-G-A. GRCh37 (hg19) VCF-style: chrX-37061390-G-A.
Identifiers: ClinVar variation 2660277 (VCV002660277.24), dbSNP rs1267388441, ClinGen allele CA515936434.

ClinVar aggregate classification (germline): Likely benign (1 of 4 stars; one submission).

Allele frequency attached by ClinVar (database versions not stated): TOPMed 0.00004; gnomAD exomes 0.00008; gnomAD 0.00009.

Submission:

CeGaT Center for Human Genetics Tuebingen
Classification: Likely benign. Last evaluated: 2023-01-01. Review status: criteria provided, single submitter. Criteria: CeGaT Center For Human Genetics Tuebingen Variant Classification Criteria Version 2. Collection method: clinical testing. Allele origin: germline. Affected: yes. Observed: 1 variant allele.
Comment: FAM47C: BS2